The following is an entry in ClinVar:

NM_025132.4(WDR19):c.1852C>A (p.Leu618Met)

Gene: WDR19 (WD repeat domain 19; plus strand). Cytogenetic location: 4p14.
Variant type: single nucleotide variant.
Coding change: c.1852C>A on transcript NM_025132.4 (MANE Select); coding-DNA position 1852, C replaced by A.
Protein change: p.Leu618Met; replaces leucine 618 with methionine.
Molecular consequence: missense variant.
Genome position (GRCh38, 1-based): chr4:39,228,560, C>A. VCF-style: chr4-39228560-C-A. GRCh37 (hg19) VCF-style: chr4-39230180-C-A.
Other names: c.1372C>A, p.Leu458Met (NM_001317924.2); short protein forms L458M, L618M.
Identifiers: ClinVar variation 3762101 (VCV003762101.2).

ClinVar aggregate classification (germline): Uncertain significance (1 of 4 stars; one submission).

Conditions:
Senior-Loken syndrome 8 (SLSN8). Identifiers: Orphanet 3156, MedGen C4225376, MONDO:0014579, OMIM 616307.
Asphyxiating thoracic dystrophy 5 (SRTD5). Also called: SHORT-RIB THORACIC DYSPLASIA 5 WITH OR WITHOUT POLYDACTYLY; SHORT-RIB THORACIC DYSPLASIA 5 WITHOUT POLYDACTYLY. Identifiers: Orphanet 474, MedGen C3280598, MONDO:0013717, OMIM 614376.

gnomAD v4.1: 22 of 1,613,956 alleles (0.0014%); highest among the groups gnomAD compares: South Asian, 0.023%; 1 homozygote.

Submission:

Labcorp Genetics (formerly Invitae), Labcorp
Classification: Uncertain significance for Senior-Loken syndrome 8; Asphyxiating thoracic dystrophy 5. Last evaluated: 2024-06-15. Review status: criteria provided, single submitter. Criteria: Invitae Variant Classification Sherloc (09022015). Collection method: clinical testing. Allele origin: germline.
Comment: This sequence change replaces leucine, which is neutral and non-polar, with methionine, which is neutral and non-polar, at codon 618 of the WDR19 protein (p.Leu618Met). This variant is present in population databases (rs749558342, gnomAD 0.03%). This variant has not been reported in the literature in individuals affected with WDR19-related conditions. Advanced modeling of protein sequence and biophysical properties (such as structural, functional, and spatial information, amino acid conservation, physicochemical variation, residue mobility, and thermodynamic stability) performed at Invitae indicates that this missense variant is not expected to disrupt WDR19 protein function with a negative predictive value of 80%. In summary, the available evidence is currently insufficient to determine the role of this variant in disease. Therefore, it has been classified as a Variant of Uncertain Significance.